The following is an entry in ClinVar:

ClinVar aggregate classification (germline): Uncertain significance (1 of 4 stars; one submission).

Conditions:
Mitochondrial complex V (ATP synthase) deficiency, nuclear type 2. Also called: ENCEPHALOCARDIOMYOPATHY, MITOCHONDRIAL, NEONATAL, DUE TO ATP SYNTHASE DEFICIENCY; MITOCHONDRIAL COMPLEX V (ATP SYNTHASE) DEFICIENCY, TMEM70 TYPE; Nuclear-Encoded ATPase Deficiency, TMEM70-Related. Identifiers: Orphanet 1194, MedGen C3279699, MONDO:0013546, OMIM 614052.

Allele frequency attached by ClinVar (database versions not stated): gnomAD exomes below 0.00001 and 0.00001; ExAC 0.00001.
gnomAD v4.1: 5 of 1,614,234 alleles (0.00031%); highest among the groups gnomAD compares: Non-Finnish European, 0.00042%; no homozygotes.

Submission:

Labcorp Genetics (formerly Invitae), Labcorp
Classification: Uncertain significance for Mitochondrial complex V (ATP synthase) deficiency, nuclear type 2. Last evaluated: 2022-04-01. Review status: criteria provided, single submitter. Criteria: Invitae Variant Classification Sherloc (09022015). Collection method: clinical testing. Allele origin: germline.
Comment: This sequence change replaces threonine, which is neutral and polar, with alanine, which is neutral and non-polar, at codon 175 of the TMEM70 protein (p.Thr175Ala). This variant is present in population databases (rs756982905, gnomAD 0.002%). This variant has not been reported in the literature in individuals affected with TMEM70-related conditions. ClinVar contains an entry for this variant (Variation ID: 582970). Algorithms developed to predict the effect of missense changes on protein structure and function output the following: SIFT: "Tolerated"; PolyPhen-2: "Benign"; Align-GVGD: "Class C0". The alanine amino acid residue is found in multiple mammalian species, which suggests that this missense change does not adversely affect protein function. In summary, the available evidence is currently insufficient to determine the role of this variant in disease. Therefore, it has been classified as a Variant of Uncertain Significance.

NM_017866.6(TMEM70):c.523A>G (p.Thr175Ala)

Gene: TMEM70 (transmembrane protein 70; plus strand). Cytogenetic location: 8q21.11.
Variant type: single nucleotide variant.
Coding change: c.523A>G on transcript NM_017866.6 (MANE Select); coding-DNA position 523, A replaced by G.
Protein change: p.Thr175Ala; replaces threonine 175 with alanine.
Molecular consequence: missense variant. On other transcripts: 3 prime UTR variant (1), non-coding transcript variant (1).
Genome position (GRCh38, 1-based): chr8:73,981,361, A>G. VCF-style: chr8-73981361-A-G. GRCh37 (hg19) VCF-style: chr8-74893596-A-G.
Other names: c.*213A>G (NM_001040613.3); short protein forms T175A.
Identifiers: ClinVar variation 582970 (VCV000582970.6), dbSNP rs756982905, ClinGen allele CA4784066.